The following is an entry in ClinVar:

NM_002458.3(MUC5B):c.1969C>T (p.Arg657Trp)

Gene: MUC5B (mucin 5B, oligomeric mucus/gel-forming; plus strand). Cytogenetic location: 11p15.5.
Variant type: single nucleotide variant.
Coding change: c.1969C>T on transcript NM_002458.3 (MANE Select); coding-DNA position 1969, C replaced by T.
Protein change: p.Arg657Trp; replaces arginine 657 with tryptophan.
Molecular consequence: missense variant.
Genome position (GRCh38, 1-based): chr11:1,232,674, C>T. VCF-style: chr11-1232674-C-T. GRCh37 (hg19) VCF-style: chr11-1253904-C-T.
Other names: short protein forms R657W.
Identifiers: ClinVar variation 3341674 (VCV003341674.16).
Genomic context (GRCh38, chr11:1,232,674, plus strand): 5'-CTGACGCCCCGATGCCTCCCACCTCCGCAGAACTGCATGTTTGACACCTGCAACTGTGAG[C>T]GGAGCGAGGACTGCCTGTGCGCCGCGCTGTCCTCCTATGTGCACGCCTGTGCCGCCAAGG-3'
Protein context (NP_002449.2, residues 647-667): NCMFDTCNCE[Arg657Trp]SEDCLCAALS

ClinVar aggregate classification (germline): Likely benign (1 of 4 stars; one submission).

gnomAD v4.1: 1,181 of 1,600,342 alleles (0.074%); highest among the groups gnomAD compares: African/African-American, 1.3%; 8 homozygotes.

Submission:

CeGaT Center for Human Genetics Tuebingen
Classification: Likely benign. Last evaluated: 2024-08-01. Review status: criteria provided, single submitter. Criteria: CeGaT Center For Human Genetics Tuebingen Variant Classification Criteria Version 2. Collection method: clinical testing. Allele origin: germline. Affected: yes. Observed: 1 variant allele.
Comment: MUC5B: BP4, BS1